The following is an entry in ClinVar:

NM_024420.3(PLA2G4A):c.1295A>G (p.Asn432Ser)

Genes: PLA2G4A (phospholipase A2 group IVA; plus strand), LOC129388668 (MPRA-validated peak520 silencer; plus strand). Cytogenetic location: 1q31.1.
Variant type: single nucleotide variant.
Coding change: c.1295A>G on transcript NM_024420.3 (MANE Select); coding-DNA position 1295, A replaced by G.
Protein change: p.Asn432Ser; replaces asparagine 432 with serine.
Molecular consequence: missense variant.
Genome position (GRCh38, 1-based): chr1:186,950,687, A>G. VCF-style: chr1-186950687-A-G. GRCh37 (hg19) VCF-style: chr1-186919819-A-G.
Other names: c.1115A>G, p.Asn372Ser (NM_001311193.2); c.1295A>G (NM_024420.2); short protein forms N372S, N432S.
Identifiers: ClinVar variation 1985126 (VCV001985126.4), dbSNP rs764018589, ClinGen allele CA1300185.

ClinVar aggregate classification (germline): Uncertain significance. Review status: criteria provided, multiple submitters, no conflicts (2 of 4 stars). 2 submissions from 2 submitters: Uncertain significance (2). Last evaluated 2024-01-26.

Allele frequency attached by ClinVar (database versions not stated): gnomAD exomes 0.00001; TOPMed 0.00002; ExAC 0.00003.
gnomAD v4.1: 18 of 1,604,766 alleles (0.0011%); highest among the groups gnomAD compares: Admixed American, 0.022%; no homozygotes.

Submissions (2):

Labcorp Genetics (formerly Invitae), Labcorp
Classification: Uncertain significance. Last evaluated: 2024-01-26. Review status: criteria provided, single submitter. Criteria: Invitae Variant Classification Sherloc (09022015). Collection method: clinical testing. Allele origin: germline.
Comment: This sequence change replaces asparagine, which is neutral and polar, with serine, which is neutral and polar, at codon 432 of the PLA2G4A protein (p.Asn432Ser). This variant is present in population databases (rs764018589, gnomAD 0.03%). This variant has not been reported in the literature in individuals affected with PLA2G4A-related conditions. ClinVar contains an entry for this variant (Variation ID: 1985126). An algorithm developed to predict the effect of missense changes on protein structure and function (PolyPhen-2) suggests that this variant¬†is likely to be tolerated. In summary, the available evidence is currently insufficient to determine the role of this variant in disease. Therefore, it has been classified as a Variant of Uncertain Significance.

Ambry Genetics
Classification: Uncertain significance. Last evaluated: 2023-01-26. Review status: criteria provided, single submitter. Criteria: Ambry Variant Classification Scheme 2023. Collection method: clinical testing. Allele origin: germline.